The following is an entry in ClinVar:

NM_001292063.2(OTOG):c.1000G>A (p.Val334Met)

Gene: OTOG (otogelin; plus strand). Cytogenetic location: 11p15.1.
Variant type: single nucleotide variant.
Coding change: c.1000G>A on transcript NM_001292063.2 (MANE Select); coding-DNA position 1000, G replaced by A.
Protein change: p.Val334Met; replaces valine 334 with methionine.
Molecular consequence: missense variant.
Genome position (GRCh38, 1-based): chr11:17,558,541, G>A. VCF-style: chr11-17558541-G-A. GRCh37 (hg19) VCF-style: chr11-17580088-G-A.
Other names: c.1036G>A (NM_001277269.1); c.1036G>A, p.Val346Met (NM_001277269.2); short protein forms V346M, V334M.
Identifiers: ClinVar variation 1369784 (VCV001369784.6), dbSNP rs553254322, ClinGen allele CA5905433.

ClinVar aggregate classification (germline): Uncertain significance. Review status: criteria provided, multiple submitters, no conflicts (2 of 4 stars). 2 submissions from 2 submitters: Uncertain significance (2). Last evaluated 2025-03-13.

Allele frequency attached by ClinVar (database versions not stated): ExAC 0.00007; 1000 Genomes Project 30x 0.00078; 1000 Genomes Project 0.00080; TOPMed 0.00028.

Submissions (2):

GeneDx
Classification: Uncertain significance. Last evaluated: 2025-03-13. Review status: criteria provided, single submitter. Criteria: GeneDx Variant Classification Process June 2021. Collection method: clinical testing. Allele origin: germline.
Comment: In silico analysis indicates that this missense variant does not alter protein structure/function; Has not been previously published as pathogenic or benign to our knowledge

Labcorp Genetics (formerly Invitae), Labcorp
Classification: Uncertain significance. Last evaluated: 2021-08-31. Review status: criteria provided, single submitter. Criteria: Invitae Variant Classification Sherloc (09022015). Collection method: clinical testing. Allele origin: germline.
Comment: This sequence change replaces valine with methionine at codon 346 of the OTOG protein (p.Val346Met). The valine residue is moderately conserved and there is a small physicochemical difference between valine and methionine. While this variant is present in population databases (rs553254322), the frequency information is unreliable, as metrics indicate poor data quality at this position in the ExAC database. This variant has not been reported in the literature in individuals affected with OTOG-related conditions. Algorithms developed to predict the effect of missense changes on protein structure and function are either unavailable or do not agree on the potential impact of this missense change (SIFT: "Deleterious"; PolyPhen-2: "Probably Damaging"; Align-GVGD: "Class C0"). In summary, the available evidence is currently insufficient to determine the role of this variant in disease. Therefore, it has been classified as a Variant of Uncertain Significance.